The following is an entry in ClinVar:

NM_014334.4(FRRS1L):c.189C>T (p.Tyr63=)

Gene: FRRS1L (ferric chelate reductase 1 like; minus strand). Cytogenetic location: 9q31.3.
Variant type: single nucleotide variant.
Coding change: c.189C>T on transcript NM_014334.4 (MANE Select); coding-DNA position 189, C replaced by T.
Protein change: p.Tyr63=; no amino-acid change (tyrosine 63 retained).
Molecular consequence: synonymous variant.
Genome position (GRCh38, 1-based): chr9:109,166,950, G>A on the plus strand (C>T on the coding strand, the complement: FRRS1L is on the minus strand). VCF-style: chr9-109166950-G-A. GRCh37 (hg19) VCF-style: chr9-111929230-G-A.
Identifiers: ClinVar variation 772590 (VCV000772590.25), dbSNP rs1052826149, ClinGen allele CA197584925.
Genomic context (GRCh38, chr9:109,166,950, plus strand): 5'-CGCAGCCTCACCCTCCTCCGACAGGTAGCGCAGGTCGTAGAACTCCCCCGCGAAGGTGCC[G>A]TAGGAGGAGTCGTGGCGCGGCACCGCCTCGTCGGCGCCCGTGTCCCCCCGCGCGCGTCCC-3'
Protein context (NP_055149.3, residues 53-73): DEAVPRHDSS[Tyr63=]GTFAGEFYDL

ClinVar aggregate classification (germline): Likely benign. Review status: criteria provided, multiple submitters, no conflicts (2 of 4 stars). 4 submissions from 4 submitters: Likely benign (4). Last evaluated 2026-02-02.

Conditions:
Developmental and epileptic encephalopathy, 37 (DEE37). Also called: Epileptic encephalopathy, early infantile, 37. Identifiers: MedGen C4310770, MONDO:0014859, OMIM 616981.

Allele frequency attached by ClinVar (database versions not stated): gnomAD exomes 0.00020 and 0.00033; TOPMed 0.00023; gnomAD 0.00025.
gnomAD v4.1: 427 of 1,356,994 alleles (0.031%); highest among the groups gnomAD compares: Non-Finnish European, 0.037%; no homozygotes.

Submissions (4):

Labcorp Genetics (formerly Invitae), Labcorp
Classification: Likely benign for Developmental and epileptic encephalopathy, 37. Last evaluated: 2026-02-02. Review status: criteria provided, single submitter. Criteria: Invitae Variant Classification Sherloc (09022015). Collection method: clinical testing. Allele origin: germline.

CeGaT Center for Human Genetics Tuebingen
Classification: Likely benign. Last evaluated: 2025-05-01. Review status: criteria provided, single submitter. Criteria: CeGaT Center For Human Genetics Tuebingen Variant Classification Criteria Version 2. Collection method: clinical testing. Allele origin: germline. Affected: yes. Observed: 1 variant allele.
Comment: FRRS1L: BP4, BP7

Blueprint Genetics
Classification: Likely benign. Last evaluated: 2024-10-16. Review status: criteria provided, single submitter. Criteria: ACMG Guidelines, 2015. Collection method: clinical testing. Allele origin: germline.

GeneDx
Classification: Likely benign. Last evaluated: 2021-02-23. Review status: criteria provided, single submitter. Criteria: GeneDx Variant Classification Process June 2021. Collection method: clinical testing. Allele origin: germline. Affected: yes.